The following is an entry in ClinVar:

ClinVar aggregate classification (germline): Uncertain significance (1 of 4 stars; one submission).

Conditions:
KMT2D-related disorder. Also called: KMT2D-Related Disorders.

Submission:

PreventionGenetics, part of Exact Sciences
Classification: Uncertain significance for KMT2D-related condition. Last evaluated: 2024-11-20. Review status: criteria provided, single submitter. Criteria: ACMG Guidelines, 2015. Collection method: clinical testing. Allele origin: germline.
Comment: The KMT2D c.178G>A variant is predicted to result in the amino acid substitution p.Gly60Arg. To our knowledge, this variant has not been reported in the literature or in a large population database (gnomAD), indicating this variant is rare. At this time, the clinical significance of this variant is uncertain due to the absence of conclusive functional and genetic evidence.

NM_003482.4(KMT2D):c.178G>A (p.Gly60Arg)

Gene: KMT2D (lysine methyltransferase 2D; minus strand). Cytogenetic location: 12q13.12.
Variant type: single nucleotide variant.
Coding change: c.178G>A on transcript NM_003482.4 (MANE Select); coding-DNA position 178, G replaced by A.
Protein change: p.Gly60Arg; replaces glycine 60 with arginine.
Molecular consequence: missense variant.
Genome position (GRCh38, 1-based): chr12:49,054,750, C>T on the plus strand (G>A on the coding strand, the complement: KMT2D is on the minus strand). VCF-style: chr12-49054750-C-T. GRCh37 (hg19) VCF-style: chr12-49448533-C-T.
Other names: short protein forms G60R.
Identifiers: ClinVar variation 5002628 (VCV005002628.1).